The following is an entry in ClinVar:

ClinVar aggregate classification (germline): Uncertain significance. Review status: criteria provided, multiple submitters, no conflicts (2 of 4 stars). 2 submissions from 2 submitters: Uncertain significance (2). Last evaluated 2024-06-30.

Allele frequency attached by ClinVar (database versions not stated): ExAC 0.00001; TOPMed 0.00005; gnomAD 0.00006.
gnomAD v4.1: 81 of 1,613,154 alleles (0.005%); highest among the groups gnomAD compares: Non-Finnish European, 0.0065%; no homozygotes.

Submissions (2):

Ambry Genetics
Classification: Uncertain significance. Last evaluated: 2024-06-30. Review status: criteria provided, single submitter. Criteria: Ambry Variant Classification Scheme 2023. Collection method: clinical testing. Allele origin: germline.

Labcorp Genetics (formerly Invitae), Labcorp
Classification: Uncertain significance. Last evaluated: 2023-12-02. Review status: criteria provided, single submitter. Criteria: Invitae Variant Classification Sherloc (09022015). Collection method: clinical testing. Allele origin: germline.
Comment: This sequence change replaces alanine, which is neutral and non-polar, with threonine, which is neutral and polar, at codon 232 of the HMCN1 protein (p.Ala232Thr). This variant is present in population databases (rs779304400, gnomAD 0.003%). This variant has not been reported in the literature in individuals affected with HMCN1-related conditions. ClinVar contains an entry for this variant (Variation ID: 1934960). An algorithm developed to predict the effect of missense changes on protein structure and function (PolyPhen-2) suggests that this variant is likely to be disruptive. In summary, the available evidence is currently insufficient to determine the role of this variant in disease. Therefore, it has been classified as a Variant of Uncertain Significance.

NM_031935.3(HMCN1):c.694G>A (p.Ala232Thr)

Gene: HMCN1 (hemicentin 1; plus strand). Cytogenetic location: 1q31.1.
Variant type: single nucleotide variant.
Coding change: c.694G>A on transcript NM_031935.3 (MANE Select); coding-DNA position 694, G replaced by A.
Protein change: p.Ala232Thr; replaces alanine 232 with threonine.
Molecular consequence: missense variant.
Genome position (GRCh38, 1-based): chr1:185,909,409, G>A. VCF-style: chr1-185909409-G-A. GRCh37 (hg19) VCF-style: chr1-185878541-G-A.
Other names: c.694G>A (NM_031935.2); short protein forms A232T.
Identifiers: ClinVar variation 1934960 (VCV001934960.6), dbSNP rs779304400, ClinGen allele CA1290917.
Genomic context (GRCh38, chr1:185,909,409, plus strand): 5'-GTAGAAGAAGCAGTACAGGCCTCCAAAGTTCACCTTTTATCCACAGATCATTTGGAACAG[G>A]CTGTAAATACTTGGAGAATTCCTTTTGATCCCAGCCTGAAAGAGGTCACTGTGTCTTTGA-3'
Protein context (NP_114141.2, residues 222-242): HLLSTDHLEQ[Ala232Thr]VNTWRIPFDP